The following is an entry in ClinVar:

NM_021954.4(GJA3):c.1086C>A (p.Leu362=)

Gene: GJA3 (gap junction protein alpha 3; minus strand). Cytogenetic location: 13q12.11.
Variant type: single nucleotide variant.
Coding change: c.1086C>A on transcript NM_021954.4 (MANE Select); coding-DNA position 1086, C replaced by A.
Protein change: p.Leu362=; no amino-acid change (leucine 362 retained).
Molecular consequence: synonymous variant.
Genome position (GRCh38, 1-based): chr13:20,142,203, G>T on the plus strand (C>A on the coding strand, the complement: GJA3 is on the minus strand). VCF-style: chr13-20142203-G-T. GRCh37 (hg19) VCF-style: chr13-20716342-G-T.
Other names: c.1086C>A (NM_021954.3).
Identifiers: ClinVar variation 1166148 (VCV001166148.11), dbSNP rs368180843, ClinGen allele CA6903989.

ClinVar aggregate classification (germline): Benign. Review status: criteria provided, multiple submitters, no conflicts (2 of 4 stars). 3 submissions from 3 submitters: Benign (2). 1 of the submissions does not count toward it. Last evaluated 2026-01-14.

Conditions:
GJA3-related disorder. Also called: GJA3-related condition.
Cataract 14 multiple types. Also called: CATARACT 14, COPPOCK-LIKE; CATARACT 14, ZONULAR PULVERULENT; CATARACT 14, NUCLEAR PULVERULENT; CATARACT 14, NUCLEAR PULVERULENT AND POSTERIOR POLAR; CATARACT 14, NUCLEAR CORALLIFORM; CATARACT 14, EMBRYONAL NUCLEAR. Identifiers: Orphanet 91492, MedGen C1866078, MONDO:0011162, OMIM 601885.

Allele frequency attached by ClinVar (database versions not stated): gnomAD 0.00325 and 0.00339; 1000 Genomes Project 30x 0.00562; gnomAD exomes 0.00076 and 0.00034; ExAC 0.00209; 1000 Genomes Project 0.00519; TOPMed 0.00346; ESP Exome Variant Server 0.00177.
gnomAD v4.1: 983 of 1,510,456 alleles (0.065%); highest among the groups gnomAD compares: African/African-American, 1.2%; 10 homozygotes.

Submissions (3):

Labcorp Genetics (formerly Invitae), Labcorp
Classification: Benign for Cataract 14 multiple types. Last evaluated: 2026-01-14. Review status: criteria provided, single submitter. Criteria: Invitae Variant Classification Sherloc (09022015). Collection method: clinical testing. Allele origin: germline.

Breakthrough Genomics
Classification: Benign. Review status: criteria provided, single submitter. Criteria: ACMG Guidelines, 2015. Collection method: not provided. Allele origin: germline. Inheritance: Autosomal dominant inheritance. Affected: yes.

PreventionGenetics, part of Exact Sciences
Classification: Benign for GJA3-related condition. Last evaluated: 2024-07-10. Review status: no assertion criteria provided. Collection method: clinical testing. Allele origin: germline. Not counted in ClinVar's aggregate classification.
Comment: This variant is classified as benign based on ACMG/AMP sequence variant interpretation guidelines (Richards et al. 2015 PMID: 25741868, with internal and published modifications).